The following is an entry in ClinVar:

NM_002839.4(PTPRD):c.3600C>A (p.Pro1200=)

Gene: PTPRD (protein tyrosine phosphatase receptor type D; minus strand). Cytogenetic location: 9p24.1.
Variant type: single nucleotide variant.
Coding change: c.3600C>A on transcript NM_002839.4 (MANE Select); coding-DNA position 3600, C replaced by A.
Protein change: p.Pro1200=; no amino-acid change (proline 1200 retained).
Molecular consequence: synonymous variant.
Genome position (GRCh38, 1-based): chr9:8,465,580, G>T on the plus strand (C>A on the coding strand, the complement: PTPRD is on the minus strand). VCF-style: chr9-8465580-G-T. GRCh37 (hg19) VCF-style: chr9-8465580-G-T.
Other names: c.2358C>A, p.Pro786= (NM_001040712.2); c.2337C>A, p.Pro779= (NM_001171025.2); c.2349C>A, p.Pro783= (NM_001377946.1); c.2361C>A, p.Pro787= (NM_001377947.1); c.3603C>A, p.Pro1201= (NM_001377958.1); c.3600C>A, p.Pro1200= (NM_001378058.1); c.2367C>A, p.Pro789= (NM_130391.4, NM_130392.3); c.2352C>A, p.Pro784= (NM_130393.3).
Identifiers: ClinVar variation 3045856 (VCV003045856.2), dbSNP rs41281787, ClinGen allele CA4983748.

ClinVar aggregate classification (germline): Benign (0 of 4 stars; one submission).

Conditions:
PTPRD-related disorder. Also called: PTPRD-related condition.

Allele frequency attached by ClinVar (database versions not stated): TOPMed 0.00058; ESP Exome Variant Server 0.00062; gnomAD 0.00120; ExAC 0.00403; 1000 Genomes Project 30x 0.00578; 1000 Genomes Project 0.00599.
gnomAD v4.1: 3,221 of 1,612,568 alleles (0.2%); highest among the groups gnomAD compares: South Asian, 2.6%; 57 homozygotes.

Submission:

PreventionGenetics, part of Exact Sciences
Classification: Benign for PTPRD-related condition. Last evaluated: 2019-02-22. Review status: no assertion criteria provided. Collection method: clinical testing. Allele origin: germline.
Comment: This variant is classified as benign based on ACMG/AMP sequence variant interpretation guidelines (Richards et al. 2015 PMID: 25741868, with internal and published modifications).